The following is an entry in ClinVar:

NM_213649.2(SFXN4):c.-5G>A

Genes: SFXN4 (sideroflexin 4; minus strand), LOC130004825 (ATAC-STARR-seq lymphoblastoid silent region 2869; plus strand). Cytogenetic location: 10q26.11.
Variant type: single nucleotide variant.
Coding change: c.-5G>A on transcript NM_213649.2 (MANE Select); 5 bases upstream of the start codon, G replaced by A.
Molecular consequence: 5 prime UTR variant. On other transcripts: non-coding transcript variant (1).
Genome position (GRCh38, 1-based): chr10:119,165,652, C>T on the plus strand (G>A on the coding strand, the complement: SFXN4 is on the minus strand). VCF-style: chr10-119165652-C-T. GRCh37 (hg19) VCF-style: chr10-120925164-C-T.
Other names: c.-5G>A (NM_213650.1).
Identifiers: ClinVar variation 3054918 (VCV003054918.2), dbSNP rs376899951, ClinGen allele CA5714750.

ClinVar aggregate classification (germline): Likely benign (0 of 4 stars; one submission).

Conditions:
SFXN4-related disorder. Also called: SFXN4-related condition.

Submission:

PreventionGenetics, part of Exact Sciences
Classification: Likely benign for SFXN4-related condition. Last evaluated: 2020-04-24. Review status: no assertion criteria provided. Collection method: clinical testing. Allele origin: germline.
Comment: This variant is classified as likely benign based on ACMG/AMP sequence variant interpretation guidelines (Richards et al. 2015 PMID: 25741868, with internal and published modifications).